The following is an entry in ClinVar:

ClinVar aggregate classification (germline): Benign/Likely benign. Review status: criteria provided, multiple submitters, no conflicts (2 of 4 stars). 4 submissions from 4 submitters: Benign (1); Likely benign (3). Last evaluated 2024-05-07.

Conditions:
Hereditary cancer-predisposing syndrome. Also called: Hereditary Cancer Syndrome; Tumor predisposition; Neoplastic Syndromes, Hereditary; Hereditary neoplastic syndrome. Identifiers: Orphanet 140162, MedGen C0027672, MeSH D009386, MONDO:0015356.
Familial cancer of breast. Also called: BREAST CANCER, FAMILIAL; Hereditary breast cancer; hereditary breast carcinoma. Identifiers: Orphanet 227535, MedGen C0346153, MONDO:0016419, OMIM 114480. Disease mechanism: loss of function.
Ataxia-telangiectasia syndrome (AT). Also called: Cerebello-oculocutaneous telangiectasia; Immunodeficiency with ataxia telangiectasia; AT, COMPLEMENTATION GROUP C; Ataxia-telangiectasia, complementation group D; LOUIS-BAR SYNDROME; Ataxia-telangiectasia, complementation group E. Identifiers: Orphanet 100, MedGen C0004135, MONDO:0008840, OMIM 208900.

Submissions (4):

Myriad Genetics, Inc.
Classification: Benign for Familial cancer of breast. Last evaluated: 2024-05-07. Review status: criteria provided, single submitter. Criteria: Myriad Autosomal Dominant, Autosomal Recessive and X-Linked Classification Criteria (2023). Collection method: clinical testing. Allele origin: unknown.
Comment: This variant is considered benign. This variant is a silent/synonymous amino acid change and it is not expected to impact splicing.

Labcorp Genetics (formerly Invitae), Labcorp
Classification: Likely benign for Ataxia-telangiectasia syndrome. Last evaluated: 2019-12-23. Review status: criteria provided, single submitter. Criteria: Invitae Variant Classification Sherloc (09022015). Collection method: clinical testing. Allele origin: germline.

Ambry Genetics
Classification: Likely benign for Hereditary cancer-predisposing syndrome. Last evaluated: 2019-11-25. Review status: criteria provided, single submitter. Criteria: Ambry Variant Classification Scheme 2023. Collection method: clinical testing. Allele origin: germline.

GeneDx
Classification: Likely benign. Last evaluated: 2017-02-27. Review status: criteria provided, single submitter. Criteria: GeneDx Variant Classification (06012015). Collection method: clinical testing. Allele origin: germline. Affected: yes.
Comment: This variant is considered likely benign or benign based on one or more of the following criteria: it is a conservative change, it occurs at a poorly conserved position in the protein, it is predicted to be benign by multiple in silico algorithms, and/or has population frequency not consistent with disease.

NM_000051.4(ATM):c.2067A>G (p.Ser689=)

Gene: ATM (ATM serine/threonine kinase; plus strand). Cytogenetic location: 11q22.3.
Variant type: single nucleotide variant.
Coding change: c.2067A>G on transcript NM_000051.4 (MANE Select); coding-DNA position 2067, A replaced by G.
Protein change: p.Ser689=; no amino-acid change (serine 689 retained).
Molecular consequence: synonymous variant.
Genome position (GRCh38, 1-based): chr11:108,253,982, A>G. VCF-style: chr11-108253982-A-G. GRCh37 (hg19) VCF-style: chr11-108124709-A-G.
Other names: c.2067A>G, p.Ser689= (NM_001351834.2).
Identifiers: ClinVar variation 507682 (VCV000507682.15), dbSNP rs1555073434, ClinGen allele CA476672433.
Genomic context (GRCh38, chr11:108,253,982, plus strand): 5'-TGGTATAGAAAAGCACCAGTCCAGTATTGGCTTCTCTGTCCACCAGAATCTCAAGGAATC[A>G]CTGGATCGCTGTCTTCTGGGATTATCAGAACAGCTTCTGAATAATTACTCATCTGAGGTG-3'
Protein context (NP_000042.3, residues 679-699): GFSVHQNLKE[Ser689=]LDRCLLGLSE